The following is an entry in ClinVar:

NM_003006.4(SELPLG):c.1005C>T (p.Phe335=)

Gene: SELPLG (selectin P ligand; minus strand). Cytogenetic location: 12q24.11.
Variant type: single nucleotide variant.
Coding change: c.1005C>T on transcript NM_003006.4 (MANE Select); coding-DNA position 1005, C replaced by T.
Protein change: p.Phe335=; no amino-acid change (phenylalanine 335 retained).
Molecular consequence: synonymous variant.
Genome position (GRCh38, 1-based): chr12:108,623,303, G>A on the plus strand (C>T on the coding strand, the complement: SELPLG is on the minus strand). VCF-style: chr12-108623303-G-A. GRCh37 (hg19) VCF-style: chr12-109017079-G-A.
Other names: c.1053C>T, p.Phe351= (NM_001206609.2).
Identifiers: ClinVar variation 3042773 (VCV003042773.2), dbSNP rs143398240, ClinGen allele CA6769215.

ClinVar aggregate classification (germline): Likely benign (0 of 4 stars; one submission).

Conditions:
SELPLG-related disorder. Also called: SELPLG-related condition.

Allele frequency attached by ClinVar (database versions not stated): gnomAD 0.00072; TOPMed 0.00074; ESP Exome Variant Server 0.00077; 1000 Genomes Project 30x 0.00078; 1000 Genomes Project 0.00080.
gnomAD v4.1: 211 of 1,614,238 alleles (0.013%); highest among the groups gnomAD compares: African/African-American, 0.23%; no homozygotes.

Submission:

PreventionGenetics, part of Exact Sciences
Classification: Likely benign for SELPLG-related condition. Last evaluated: 2019-12-23. Review status: no assertion criteria provided. Collection method: clinical testing. Allele origin: germline.
Comment: This variant is classified as likely benign based on ACMG/AMP sequence variant interpretation guidelines (Richards et al. 2015 PMID: 25741868, with internal and published modifications).